The following is an entry in ClinVar:

NM_001127644.2(GABRA1):c.818G>T (p.Trp273Leu)

Gene: GABRA1 (gamma-aminobutyric acid type A receptor subunit alpha1; plus strand). Cytogenetic location: 5q34.
Variant type: single nucleotide variant.
Coding change: c.818G>T on transcript NM_001127644.2 (MANE Select); coding-DNA position 818, G replaced by T.
Protein change: p.Trp273Leu; replaces tryptophan 273 with leucine.
Molecular consequence: missense variant.
Genome position (GRCh38, 1-based): chr5:161,891,012, G>T. VCF-style: chr5-161891012-G-T. GRCh37 (hg19) VCF-style: chr5-161318018-G-T.
Other names: c.818G>T, p.Trp273Leu (NM_000806.5, NM_001127643.2, NM_001127645.2 and 1 more transcripts); short protein forms W273L.
Identifiers: ClinVar variation 3366151 (VCV003366151.2).

ClinVar aggregate classification (germline): Uncertain significance (1 of 4 stars; one submission).

Submission:

GeneDx
Classification: Uncertain significance. Last evaluated: 2025-05-25. Review status: criteria provided, single submitter. Criteria: GeneDx Variant Classification Process June 2021. Collection method: clinical testing. Allele origin: germline.
Comment: Not observed at significant frequency in large population cohorts (gnomAD); In silico analysis supports that this missense variant has a deleterious effect on protein structure/function; Has not been previously published as pathogenic or benign to our knowledge